The following is an entry in ClinVar:

ClinVar aggregate classification (germline): Uncertain significance. Review status: criteria provided, multiple submitters, no conflicts (2 of 4 stars). 2 submissions from 2 submitters: Uncertain significance (2). Last evaluated 2025-08-02.

Conditions:
Neuropathy, hereditary sensory and autonomic, type 2A (HSAN2A). Also called: MORVAN DISEASE; NEUROPATHY, CONGENITAL SENSORY; NEUROPATHY, HEREDITARY SENSORY RADICULAR, AUTOSOMAL RECESSIVE; NEUROPATHY, HEREDITARY SENSORY, TYPE IIA; NEUROPATHY, PROGRESSIVE SENSORY, OF CHILDREN; WNK1-Related HSAN2 (HSAN2A). Identifiers: Orphanet 970, MedGen C2752089, MONDO:0024309, OMIM 201300.
Generalized epilepsy with febrile seizures plus, type 7 (GEFSP7). Also called: GEFS+, TYPE 7. Identifiers: Orphanet 36387, MedGen C2751778, MONDO:0013470, OMIM 613863.
Inborn genetic diseases. Identifiers: MedGen C0950123, MeSH D030342.

Allele frequency attached by ClinVar (database versions not stated): gnomAD exomes 0.00001.
gnomAD v4.1: 4 of 1,611,500 alleles (0.00025%); highest among the groups gnomAD compares: Admixed American, 0.0067%; no homozygotes.

Submissions (2):

Ambry Genetics
Classification: Uncertain significance for Inborn genetic diseases. Last evaluated: 2025-08-02. Review status: criteria provided, single submitter. Criteria: Ambry Variant Classification Scheme 2023. Collection method: clinical testing. Allele origin: germline.

Labcorp Genetics (formerly Invitae), Labcorp
Classification: Uncertain significance for Neuropathy, hereditary sensory and autonomic, type 2A; Generalized epilepsy with febrile seizures plus, type 7. Last evaluated: 2025-07-21. Review status: criteria provided, single submitter. Criteria: Invitae Variant Classification Sherloc (09022015). Collection method: clinical testing. Allele origin: germline.
Comment: This sequence change replaces isoleucine, which is neutral and non-polar, with threonine, which is neutral and polar, at codon 1497 of the SCN9A protein (p.Ile1497Thr). This variant is present in population databases (no rsID available, gnomAD 0.009%). This variant has not been reported in the literature in individuals affected with SCN9A-related conditions. ClinVar contains an entry for this variant (Variation ID: 1026832). Invitae Evidence Modeling of protein sequence and biophysical properties (such as structural, functional, and spatial information, amino acid conservation, physicochemical variation, residue mobility, and thermodynamic stability) indicates that this missense variant is not expected to disrupt SCN9A protein function with a negative predictive value of 95%. In summary, the available evidence is currently insufficient to determine the role of this variant in disease. Therefore, it has been classified as a Variant of Uncertain Significance.

NM_001365536.1(SCN9A):c.4523T>C (p.Ile1508Thr)

Genes: SCN1A-AS1 (SCN1A and SCN9A antisense RNA 1; plus strand), SCN9A (sodium voltage-gated channel alpha subunit 9; minus strand). Cytogenetic location: 2q24.3.
Variant type: single nucleotide variant.
Coding change: c.4523T>C on transcript NM_001365536.1 (MANE Select); coding-DNA position 4523, T replaced by C.
Protein change: p.Ile1508Thr; replaces isoleucine 1508 with threonine.
Molecular consequence: missense variant.
Genome position (GRCh38, 1-based): chr2:166,204,206, A>G on the plus strand (T>C on the coding strand, the complement: SCN9A is on the minus strand). VCF-style: chr2-166204206-A-G. GRCh37 (hg19) VCF-style: chr2-167060716-A-G.
Other names: c.4490T>C, p.Ile1497Thr (NM_002977.4); short protein forms I1497T, I1508T.
Identifiers: ClinVar variation 1026832 (VCV001026832.10), dbSNP rs1359777832, ClinGen allele CA349058041.